The following is an entry in ClinVar:

ClinVar aggregate classification (germline): Likely benign. Review status: criteria provided, multiple submitters, no conflicts (2 of 4 stars). 3 submissions from 3 submitters: Likely benign (3). Last evaluated 2026-08-27.

Conditions:
SAG-related disorder. Also called: SAG-related disorders; SAG-related condition.

Allele frequency attached by ClinVar (database versions not stated): gnomAD 0.00001; ExAC 0.00002; TOPMed 0.00003.
gnomAD v4.1: 17 of 1,612,530 alleles (0.0011%); highest among the groups gnomAD compares: African/African-American, 0.0053%; no homozygotes.

Submissions (3):

PreventionGenetics, part of Exact Sciences
Classification: Likely benign for SAG-related condition. Last evaluated: 2026-08-27. Review status: criteria provided, single submitter. Criteria: ACMG Guidelines, 2015. Collection method: clinical testing. Allele origin: germline.
Comment: This variant is classified as likely benign based on ACMG/AMP sequence variant interpretation guidelines (Richards et al. 2015 PMID: 25741868, with internal and published modifications).

Labcorp Genetics (formerly Invitae), Labcorp
Classification: Likely benign. Last evaluated: 2022-05-13. Review status: criteria provided, single submitter. Criteria: Invitae Variant Classification Sherloc (09022015). Collection method: clinical testing. Allele origin: germline.

Blueprint Genetics
Classification: Likely benign. Last evaluated: 2019-09-22. Review status: criteria provided, single submitter. Criteria: ACMG Guidelines, 2015. Collection method: clinical testing. Allele origin: germline.

NM_000541.5(SAG):c.519C>T (p.Ser173=)

Gene: SAG (S-antigen visual arrestin; plus strand). Cytogenetic location: 2q37.1.
Variant type: single nucleotide variant.
Coding change: c.519C>T on transcript NM_000541.5 (MANE Select); coding-DNA position 519, C replaced by T.
Protein change: p.Ser173=; no amino-acid change (serine 173 retained).
Molecular consequence: synonymous variant.
Genome position (GRCh38, 1-based): chr2:233,328,484, C>T. VCF-style: chr2-233328484-C-T. GRCh37 (hg19) VCF-style: chr2-234237130-C-T.
Other names: c.519C>T (NM_000541.4).
Identifiers: ClinVar variation 1899695 (VCV001899695.7), dbSNP rs771893652, ClinGen allele CA2174427.
Genomic context (GRCh38, chr2:233,328,484, plus strand): 5'-CCCTAAAGCGGCCTGGGTGCCAATCCCTGGCTTGTCTGTGGCTGTTTCCCACAGGAGCTC[C>T]GTGCGATTACTGATCCGCAAAGTACAGCATGCCCCACTTGAGATGGGTCCCCAGCCCCGA-3'
Protein context (NP_000532.2, residues 163-183): AEEDKIPKKS[Ser173=]VRLLIRKVQH